The following is an entry in ClinVar:

ClinVar aggregate classification (germline): Conflicting classifications of pathogenicity. Review status: criteria provided, conflicting classifications (1 of 4 stars). 5 submissions from 5 submitters: Uncertain significance (1); Likely benign (3). 1 of the submissions does not count toward it. Last evaluated 2026-01-24.

Conditions:
FREM2-related disorder. Also called: FREM2-related condition.

Allele frequency attached by ClinVar (database versions not stated): gnomAD exomes 0.00018 and 0.00053; ExAC 0.00062; 1000 Genomes Project 0.00120; 1000 Genomes Project 30x 0.00141; gnomAD 0.00189 and 0.00204; ESP Exome Variant Server 0.00200; TOPMed 0.00222.
gnomAD v4.1: 561 of 1,613,642 alleles (0.035%); highest among the groups gnomAD compares: African/African-American, 0.67%; 5 homozygotes.

Submissions (5):

Labcorp Genetics (formerly Invitae), Labcorp
Classification: Likely benign. Last evaluated: 2026-01-24. Review status: criteria provided, single submitter. Criteria: Invitae Variant Classification Sherloc (09022015). Collection method: clinical testing. Allele origin: germline.

Blueprint Genetics
Classification: Likely benign. Last evaluated: 2024-05-02. Review status: criteria provided, single submitter. Criteria: ACMG Guidelines, 2015. Collection method: clinical testing. Allele origin: germline.

Genetic Services Laboratory, University of Chicago
Classification: Likely benign. Last evaluated: 2018-08-09. Review status: criteria provided, single submitter. Criteria: ACMG Guidelines, 2015. Collection method: clinical testing. Allele origin: germline. Affected: no.

Eurofins Ntd Llc (ga)
Classification: Uncertain significance. Last evaluated: 2018-01-25. Review status: criteria provided, single submitter. Criteria: EGL Classification Definitions 2015. Collection method: clinical testing. Allele origin: germline. Observed: 1 variant allele, 1 heterozygote.

PreventionGenetics, part of Exact Sciences
Classification: Likely benign for FREM2-related condition. Last evaluated: 2019-11-08. Review status: no assertion criteria provided. Collection method: clinical testing. Allele origin: germline. Not counted in ClinVar's aggregate classification.
Comment: This variant is classified as likely benign based on ACMG/AMP sequence variant interpretation guidelines (Richards et al. 2015 PMID: 25741868, with internal and published modifications).

NM_207361.6(FREM2):c.9113T>C (p.Val3038Ala)

Gene: FREM2 (FRAS1 related extracellular matrix 2; plus strand). Cytogenetic location: 13q13.3.
Variant type: single nucleotide variant.
Coding change: c.9113T>C on transcript NM_207361.6 (MANE Select); coding-DNA position 9113, T replaced by C.
Protein change: p.Val3038Ala; replaces valine 3038 with alanine.
Molecular consequence: missense variant.
Genome position (GRCh38, 1-based): chr13:38,880,390, T>C. VCF-style: chr13-38880390-T-C. GRCh37 (hg19) VCF-style: chr13-39454527-T-C.
Other names: short protein forms V3038A.
Identifiers: ClinVar variation 595835 (VCV000595835.23), dbSNP rs114688149, ClinGen allele CA6956313.
Genomic context (GRCh38, chr13:38,880,390, plus strand): 5'-GATCGAAAGACAATGCCAATCGAGGTATTGGCAAAAGAAGTGTGGAGTACCATTCTCTGG[T>C]GAGTCAAGGAAAGCCCCAATCCACCACCAAGAGCCGGAAGAAGAGAGAGATCAGGAGCAC-3'
Protein context (NP_997244.4, residues 3028-3048): GKRSVEYHSL[Val3038Ala]SQGKPQSTTK